The following is an entry in ClinVar:

ClinVar aggregate classification (germline): Uncertain significance. Review status: criteria provided, multiple submitters, no conflicts (2 of 4 stars). 2 submissions from 2 submitters: Uncertain significance (2). Last evaluated 2024-05-24.

Conditions:
Cowden syndrome 3 (CWS3). Identifiers: Orphanet 201, MedGen CN166604, MONDO:0014045.
Pheochromocytoma. Also called: MAX-Related Hereditary Paraganglioma-Pheochromocytoma Syndrome. Identifiers: Orphanet 29072, MedGen C0031511, MONDO:0008233, OMIM 171300, HP:0002666.
Paragangliomas with sensorineural hearing loss. Identifiers: MedGen C1868633.
Carney-Stratakis syndrome. Also called: PARAGANGLIOMA AND GASTROINTESTINAL STROMAL TUMOR. Identifiers: Orphanet 97286, MedGen C1847319, MONDO:0011740, OMIM 606864.

Submissions (2):

Quest Diagnostics Nichols Institute San Juan Capistrano
Classification: Uncertain significance. Last evaluated: 2024-05-24. Review status: criteria provided, single submitter. Criteria: Quest Diagnostics criteria. Collection method: clinical testing. Allele origin: unknown.
Comment: The SDHD c.277T>C (p.Tyr93His) variant has not been reported in individuals with SDHD-related conditions in the published literature. It also has not been reported in large, multi-ethnic general populations (Genome Aggregation Database). Analysis of this variant using bioinformatics tools for the prediction of the effect of amino acid changes on protein structure and function yielded conflicting predictions that this variant is benign or damaging. Based on the available information, we are unable to determine the clinical significance of this variant.

Labcorp Genetics (formerly Invitae), Labcorp
Classification: Uncertain significance for Carney-Stratakis syndrome; Paragangliomas with sensorineural hearing loss; Pheochromocytoma; Cowden syndrome 3. Last evaluated: 2023-03-31. Review status: criteria provided, single submitter. Criteria: Invitae Variant Classification Sherloc (09022015). Collection method: clinical testing. Allele origin: germline.
Comment: In summary, the available evidence is currently insufficient to determine the role of this variant in disease. Therefore, it has been classified as a Variant of Uncertain Significance. Advanced modeling of protein sequence and biophysical properties (such as structural, functional, and spatial information, amino acid conservation, physicochemical variation, residue mobility, and thermodynamic stability) has been performed at Invitae for this missense variant, however the output from this modeling did not meet the statistical confidence thresholds required to predict the impact of this variant on SDHD protein function. ClinVar contains an entry for this variant (Variation ID: 651568). This variant has not been reported in the literature in individuals affected with SDHD-related conditions. This variant is not present in population databases (gnomAD no frequency). This sequence change replaces tyrosine, which is neutral and polar, with histidine, which is basic and polar, at codon 93 of the SDHD protein (p.Tyr93His).

NM_003002.4(SDHD):c.277T>C (p.Tyr93His)

Gene: SDHD (succinate dehydrogenase complex subunit D; plus strand). Cytogenetic location: 11q23.1.
Variant type: single nucleotide variant.
Coding change: c.277T>C on transcript NM_003002.4 (MANE Select); coding-DNA position 277, T replaced by C.
Protein change: p.Tyr93His; replaces tyrosine 93 with histidine.
Molecular consequence: missense variant. On other transcripts: non-coding transcript variant (1), intron variant (1).
Genome position (GRCh38, 1-based): chr11:112,088,974, T>C. VCF-style: chr11-112088974-T-C. GRCh37 (hg19) VCF-style: chr11-111959698-T-C.
Other names: c.160T>C, p.Tyr54His (NM_001276504.2); c.277T>C, p.Tyr93His (NM_001276506.2); c.169+1001T>C (NM_001276503.2); short protein forms Y54H, Y93H.
Identifiers: ClinVar variation 651568 (VCV000651568.7), dbSNP rs1592780620, ClinGen allele CA382617365.